The following is an entry in ClinVar:

NM_000038.6(APC):c.1310C>G (p.Pro437Arg)

Gene: APC (APC regulator of Wnt signaling pathway; plus strand). Cytogenetic location: 5q22.2.
Variant type: single nucleotide variant.
Coding change: c.1310C>G on transcript NM_000038.6 (MANE Select); coding-DNA position 1310, C replaced by G.
Protein change: p.Pro437Arg; replaces proline 437 with arginine.
Molecular consequence: missense variant.
Genome position (GRCh38, 1-based): chr5:112,819,342, C>G. VCF-style: chr5-112819342-C-G. GRCh37 (hg19) VCF-style: chr5-112155039-C-G.
Other names: c.1310C>G, p.Pro437Arg (NM_001127510.3, NM_001354895.2, NM_001354896.2); c.1256C>G, p.Pro419Arg (NM_001127511.3); c.1340C>G, p.Pro447Arg (NM_001354897.2); c.1235C>G, p.Pro412Arg (NM_001354898.2); c.1226C>G, p.Pro409Arg (NM_001354899.2); c.1133C>G, p.Pro378Arg (NM_001354900.2, NM_001354901.2); c.1037C>G, p.Pro346Arg (NM_001354902.2); c.1007C>G, p.Pro336Arg (NM_001354903.2); and 3 more; short protein forms P419R, P437R, P378R, P277R, P311R, P412R, P447R, P154R.
Identifiers: ClinVar variation 217922 (VCV000217922.23), dbSNP rs762936223, ClinGen allele CA027031.

ClinVar aggregate classification (germline): Uncertain significance. Review status: criteria provided, multiple submitters, no conflicts (2 of 4 stars). 5 submissions from 5 submitters: Uncertain significance (4). 1 of the submissions does not count toward it. Last evaluated 2025-09-03.

Conditions:
Hereditary cancer-predisposing syndrome. Also called: Hereditary Cancer Syndrome; Hereditary neoplastic syndrome; Neoplastic Syndromes, Hereditary; Tumor predisposition. Identifiers: Orphanet 140162, MedGen C0027672, MeSH D009386, MONDO:0015356.
Familial adenomatous polyposis 1 (FAP1). Also called: FAMILIAL ADENOMATOUS POLYPOSIS 1, ATTENUATED; POLYPOSIS, ADENOMATOUS INTESTINAL. Identifiers: MedGen C2713442, MONDO:0021056, OMIM 175100. Disease mechanism: loss of function.

Allele frequency attached by ClinVar (database versions not stated): ExAC 0.00001; gnomAD exomes 0.00001.
gnomAD v4.1: 4 of 1,613,964 alleles (0.00025%); highest among the groups gnomAD compares: Non-Finnish European, 0.00034%; no homozygotes.

Submissions (5):

Color Diagnostics, LLC DBA Color Health
Classification: Uncertain significance for Hereditary cancer-predisposing syndrome. Last evaluated: 2025-09-03. Review status: criteria provided, single submitter. Criteria: ACMG Guidelines, 2015. Collection method: clinical testing. Allele origin: germline.
Comment: This missense variant replaces proline with arginine at codon 437 of the APC protein. Computational prediction is inconclusive regarding the impact of this variant on protein structure and function. APC is defined as a gene for which primarily truncating variants are known to cause disease (ClinGen HCCP VCEP).\\ To our knowledge, functional studies have not been reported for this variant. This variant has not been reported in individuals affected with APC-related disorders in the literature. This variant has been identified in 2/250694 chromosomes in the general population by the Genome Aggregation Database (gnomAD). The available evidence is insufficient to determine the role of this variant in disease conclusively. Therefore, this variant is classified as a Variant of Uncertain Significance.

Labcorp Genetics (formerly Invitae), Labcorp
Classification: Uncertain significance for Familial adenomatous polyposis 1. Last evaluated: 2025-04-23. Review status: criteria provided, single submitter. Criteria: Invitae Variant Classification Sherloc (09022015). Collection method: clinical testing. Allele origin: germline.
Comment: This sequence change replaces proline, which is neutral and non-polar, with arginine, which is basic and polar, at codon 437 of the APC protein (p.Pro437Arg). This variant is present in population databases (rs762936223, gnomAD 0.002%). This variant has not been reported in the literature in individuals affected with APC-related conditions. ClinVar contains an entry for this variant (Variation ID: 217922). An algorithm developed to predict the effect of missense changes on protein structure and function (PolyPhen-2) suggests that this variant is likely to be tolerated. In summary, the available evidence is currently insufficient to determine the role of this variant in disease. Therefore, it has been classified as a Variant of Uncertain Significance.

Ambry Genetics
Classification: Uncertain significance for Hereditary cancer-predisposing syndrome. Last evaluated: 2024-11-22. Review status: criteria provided, single submitter. Criteria: Ambry Variant Classification Scheme 2023. Collection method: clinical testing. Allele origin: germline.
Comment: The p.P437R variant (also known as c.1310C>G), located in coding exon 9 of the APC gene, results from a C to G substitution at nucleotide position 1310. The proline at codon 437 is replaced by arginine, an amino acid with dissimilar properties. This amino acid position is highly conserved in available vertebrate species. In addition, in silico predictors for this gene do not accurately predict pathogenicity. Missense alterations in APC are not a common cause of disease (Spier I et al. Genet Med. 2024 Feb;26(2):100992). Based on the available evidence, the clinical significance of this variant remains unclear.

Baylor Genetics
Classification: Uncertain significance for Familial adenomatous polyposis 1. Last evaluated: 2023-12-30. Review status: criteria provided, single submitter. Criteria: ACMG Guidelines, 2015. Collection method: clinical testing. Allele origin: unknown.

Mayo Clinic Laboratories, Mayo Clinic
Classification: Likely benign. Review status: no assertion criteria provided. Collection method: research. Allele origin: unknown. Observed: 1 variant allele. Not counted in ClinVar's aggregate classification.